The following is an entry in ClinVar:

ClinVar aggregate classification (germline): Uncertain significance (1 of 4 stars; one submission).

Conditions:
Saldino-Mainzer syndrome (SRTD9). Also called: CONORENAL SYNDROME; Renal dysplasia, retinal pigmentary dystrophy, cerebellar ataxia and skeletal dysplasia; SHORT-RIB THORACIC DYSPLASIA 9 WITHOUT POLYDACTYLY; short-rib thoracic dysplasia 9 with or without polydactyly. Identifiers: Orphanet 140969, MedGen C1849437, MONDO:0009964, OMIM 266920.

gnomAD v4.1: 5 of 1,614,160 alleles (0.00031%); highest among the groups gnomAD compares: East Asian, 0.0089%; no homozygotes.

Submission:

Labcorp Genetics (formerly Invitae), Labcorp
Classification: Uncertain significance for Saldino-Mainzer syndrome. Last evaluated: 2026-01-21. Review status: criteria provided, single submitter. Criteria: Invitae Variant Classification Sherloc (09022015). Collection method: clinical testing. Allele origin: germline.
Comment: This sequence change replaces glutamic acid, which is acidic and polar, with lysine, which is basic and polar, at codon 240 of the IFT140 protein (p.Glu240Lys). This variant is not present in population databases (gnomAD no frequency). This variant has not been reported in the literature in individuals affected with IFT140-related conditions. Invitae Evidence Modeling of protein sequence and biophysical properties (such as structural, functional, and spatial information, amino acid conservation, physicochemical variation, residue mobility, and thermodynamic stability) indicates that this missense variant is not expected to disrupt IFT140 protein function with a negative predictive value of 95%. In summary, the available evidence is currently insufficient to determine the role of this variant in disease. Therefore, it has been classified as a Variant of Uncertain Significance.

NM_014714.4(IFT140):c.718G>A (p.Glu240Lys)

Genes: IFT140 (intraflagellar transport 140; minus strand), LOC105371046 (uncharacterized LOC105371046; plus strand). Cytogenetic location: 16p13.3.
Variant type: single nucleotide variant.
Coding change: c.718G>A on transcript NM_014714.4 (MANE Select); coding-DNA position 718, G replaced by A.
Protein change: p.Glu240Lys; replaces glutamic acid 240 with lysine.
Molecular consequence: missense variant.
Genome position (GRCh38, 1-based): chr16:1,589,697, C>T on the plus strand (G>A on the coding strand, the complement: IFT140 is on the minus strand). VCF-style: chr16-1589697-C-T. GRCh37 (hg19) VCF-style: chr16-1639698-C-T.
Other names: short protein forms E240K.
Identifiers: ClinVar variation 4762103 (VCV004762103.1).